The following is an entry in ClinVar:

ClinVar aggregate classification (germline): Likely benign (1 of 4 stars; one submission).

gnomAD v4.1: 12,644 of 1,614,234 alleles (0.78%); highest among the groups gnomAD compares: Non-Finnish European, 0.97%; 65 homozygotes.

Submission:

CeGaT Center for Human Genetics Tuebingen
Classification: Likely benign. Last evaluated: 2025-07-01. Review status: criteria provided, single submitter. Criteria: CeGaT Center For Human Genetics Tuebingen Variant Classification Criteria Version 2. Collection method: clinical testing. Allele origin: germline. Affected: yes. Observed: 1 variant allele.
Comment: COBL: BP4, BP7, BS2

NM_015198.5(COBL):c.2676C>T (p.Ala892=)

Gene: COBL (cordon-bleu WH2 repeat protein; minus strand). Cytogenetic location: 7p12.1.
Variant type: single nucleotide variant.
Coding change: c.2676C>T on transcript NM_015198.5 (MANE Select); coding-DNA position 2676, C replaced by T.
Protein change: p.Ala892=; no amino-acid change (alanine 892 retained).
Molecular consequence: synonymous variant.
Genome position (GRCh38, 1-based): chr7:51,028,420, G>A on the plus strand (C>T on the coding strand, the complement: COBL is on the minus strand). VCF-style: chr7-51028420-G-A. GRCh37 (hg19) VCF-style: chr7-51096117-G-A.
Other names: c.2847C>T, p.Ala949= (NM_001287436.3, NM_001346441.2); c.2676C>T, p.Ala892= (NM_001346442.2, NM_001346443.2); c.2922C>T, p.Ala974= (NM_001410881.1).
Identifiers: ClinVar variation 4083588 (VCV004083588.8).